The following is an entry in ClinVar:

NM_013275.6(ANKRD11):c.5241_5265del (p.Val1748fs)

Gene: ANKRD11 (ankyrin repeat domain 11; minus strand). Cytogenetic location: 16q24.3.
Variant type: Deletion.
Coding change: c.5241_5265del on transcript NM_013275.6 (MANE Select); coding-DNA positions 5241 to 5265, 25 bases deleted (CGTGCCCACCGCTCCCACCAGCGCC).
Protein change: p.Val1748fs; shifts the reading frame from valine 1748.
Molecular consequence: frameshift variant.
Genome position (GRCh38, 1-based): chr16:89,281,277-89,281,301, GGCGCTGGTGGGAGCGGTGGGCACG deleted on the plus strand (CGTGCCCACCGCTCCCACCAGCGCC on the coding strand, the reverse complement: ANKRD11 is on the minus strand); deleting any 25 consecutive bases within chr16:89,281,277-89,281,305 gives the same sequence; the c. name uses the placement nearest the transcript's 3' end. VCF-style (leftmost placement, unchanged base first): chr16-89281276-AGGCGCTGGTGGGAGCGGTGGGCACG-A. GRCh37 (hg19) VCF-style: chr16-89347684-AGGCGCTGGTGGGAGCGGTGGGCACG-A.
Other names: c.5241_5265del, p.Val1748fs (NM_001256182.2, NM_001256183.2); short protein forms V1748fs.
Identifiers: ClinVar variation 5019170 (VCV005019170.1).

ClinVar aggregate classification (germline): Likely pathogenic (1 of 4 stars; one submission).

Conditions:
KBG syndrome (KBGS). Also called: ANKRD11-Related KBG Syndrome. Identifiers: Orphanet 2332, MedGen C0220687, MONDO:0007846, OMIM 148050.

Submission:

Juno Genomics, Hangzhou Juno Genomics, Inc
Classification: Likely pathogenic for KBG syndrome. Review status: criteria provided, single submitter. Criteria: ACMG Guidelines, 2015. Collection method: clinical testing. Allele origin: germline. Affected: yes.
Comment: Absent from controls (or at extremely low frequency if recessive) in Genome Aggregation Database.;Null variant in a gene where loss of function (LOF) is a known mechanism of disease.